The following is an entry in ClinVar:

ClinVar aggregate classification (germline): Uncertain significance (1 of 4 stars; one submission).

Conditions:
Long QT syndrome (LQTS). Identifiers: MedGen C0023976, MeSH D008133, MONDO:0002442. Disease mechanism: loss of function. Inheritance: Various modes of inheritance.

Submission:

Labcorp Genetics (formerly Invitae), Labcorp
Classification: Uncertain significance for Long QT syndrome. Last evaluated: 2025-11-17. Review status: criteria provided, single submitter. Criteria: Invitae Variant Classification Sherloc (09022015). Collection method: clinical testing. Allele origin: germline.
Comment: This sequence change replaces alanine, which is neutral and non-polar, with phenylalanine, which is neutral and non-polar, at codon 293 of the KCNH2 protein (p.Ala293Phe). Information on the frequency of this variant in the gnomAD database is not available, as this variant may be reported differently in the database. This variant has not been reported in the literature in individuals affected with KCNH2-related conditions. ClinVar contains an entry for this variant (Variation ID: 963108). An algorithm developed to predict the effect of missense changes on protein structure and function (PolyPhen-2) suggests that this variant is likely to be tolerated. In summary, the available evidence is currently insufficient to determine the role of this variant in disease. Therefore, it has been classified as a Variant of Uncertain Significance.

NM_000238.4(KCNH2):c.877_878delinsTT (p.Ala293Phe)

Gene: KCNH2 (potassium voltage-gated channel subfamily H member 2; minus strand). Cytogenetic location: 7q36.1.
Variant type: Indel.
Coding change: c.877_878delinsTT on transcript NM_000238.4 (MANE Select); coding-DNA positions 877 to 878, GC replaced by TT.
Protein change: p.Ala293Phe; replaces alanine 293 with phenylalanine.
Molecular consequence: missense variant.
Genome position (GRCh38, 1-based): chr7:150,958,097-150,958,098, GC replaced by AA on the plus strand (GC replaced by TT on the coding strand, the reverse complement: KCNH2 is on the minus strand). VCF-style: chr7-150958097-GC-AA. GRCh37 (hg19) VCF-style: chr7-150655185-GC-AA.
Other names: c.877_878delGCinsTT, p.Ala293Phe (NM_000238.3, NM_172056.3); c.589_590delGCinsTT, p.Ala197Phe (NM_001406753.1, NM_001406756.1); c.700_701delGCinsTT, p.Ala234Phe (NM_001406755.1); c.577_578delGCinsTT, p.Ala193Phe (NM_001406757.1); short protein forms A293F, A193F, A234F, A197F.
Identifiers: ClinVar variation 963108 (VCV000963108.11), dbSNP rs1801438942, ClinGen allele CA1139660321.